The following is an entry in ClinVar:

ClinVar aggregate classification (germline): Likely benign (1 of 4 stars; one submission).

Conditions:
CALR-related disorder. Also called: CALR-related condition.

gnomAD v4.1: 301 of 1,612,590 alleles (0.019%); highest among the groups gnomAD compares: Middle Eastern, 1.1%; 2 homozygotes.

Submission:

PreventionGenetics, part of Exact Sciences
Classification: Likely benign for CALR-related condition. Last evaluated: 2025-06-13. Review status: criteria provided, single submitter. Criteria: ACMG Guidelines, 2015. Collection method: clinical testing. Allele origin: germline.
Comment: This variant is classified as likely benign based on ACMG/AMP sequence variant interpretation guidelines (Richards et al. 2015 PMID: 25741868, with internal and published modifications).

NM_004343.4(CALR):c.1086C>T (p.Asp362=)

Gene: CALR (calreticulin; plus strand). Cytogenetic location: 19p13.13.
Variant type: single nucleotide variant.
Coding change: c.1086C>T on transcript NM_004343.4 (MANE Select); coding-DNA position 1086, C replaced by T.
Protein change: p.Asp362=; no amino-acid change (aspartic acid 362 retained).
Molecular consequence: synonymous variant.
Genome position (GRCh38, 1-based): chr19:12,943,745, C>T. VCF-style: chr19-12943745-C-T. GRCh37 (hg19) VCF-style: chr19-13054559-C-T.
Identifiers: ClinVar variation 4989107 (VCV004989107.1).